The following is an entry in ClinVar:

ClinVar aggregate classification (germline): Uncertain significance. Review status: criteria provided, multiple submitters, no conflicts (2 of 4 stars). 3 submissions from 3 submitters: Uncertain significance (3). Last evaluated 2023-03-30.

Conditions:
Glycine encephalopathy. Also called: Nonketotic hyperglycinemia; Non-ketotic hyperglycinemia. Identifiers: Orphanet 407, MedGen C0751748, MONDO:0011612, HP:0008288.
Inborn genetic diseases. Identifiers: MedGen C0950123, MeSH D030342.

Allele frequency attached by ClinVar (database versions not stated): gnomAD exomes 0.00002; gnomAD 0.00003 and 0.00004; TOPMed 0.00006; ExAC 0.00002.

Submissions (3):

GeneDx
Classification: Uncertain significance. Last evaluated: 2023-03-30. Review status: criteria provided, single submitter. Criteria: GeneDx Variant Classification Process June 2021. Collection method: clinical testing. Allele origin: germline. Affected: yes.
Comment: In silico analysis supports that this missense variant does not alter protein structure/function; Has not been previously published as pathogenic or benign to our knowledge

Ambry Genetics
Classification: Uncertain significance for Inborn genetic diseases. Last evaluated: 2022-11-15. Review status: criteria provided, single submitter. Criteria: Ambry Variant Classification Scheme 2023. Collection method: clinical testing. Allele origin: germline.

Labcorp Genetics (formerly Invitae), Labcorp
Classification: Uncertain significance for Glycine encephalopathy. Last evaluated: 2022-09-26. Review status: criteria provided, single submitter. Criteria: Invitae Variant Classification Sherloc (09022015). Collection method: clinical testing. Allele origin: germline.
Comment: This sequence change replaces valine, which is neutral and non-polar, with isoleucine, which is neutral and non-polar, at codon 679 of the GLDC protein (p.Val679Ile). This variant is present in population databases (rs778376889, gnomAD 0.02%). This variant has not been reported in the literature in individuals affected with GLDC-related conditions. ClinVar contains an entry for this variant (Variation ID: 1383808). Advanced modeling of protein sequence and biophysical properties (such as structural, functional, and spatial information, amino acid conservation, physicochemical variation, residue mobility, and thermodynamic stability) performed at Invitae indicates that this missense variant is not expected to disrupt GLDC protein function. In summary, the available evidence is currently insufficient to determine the role of this variant in disease. Therefore, it has been classified as a Variant of Uncertain Significance.

NM_000170.3(GLDC):c.2035G>A (p.Val679Ile)

Gene: GLDC (glycine decarboxylase; minus strand). Cytogenetic location: 9p24.1.
Variant type: single nucleotide variant.
Coding change: c.2035G>A on transcript NM_000170.3 (MANE Select); coding-DNA position 2035, G replaced by A.
Protein change: p.Val679Ile; replaces valine 679 with isoleucine.
Molecular consequence: missense variant.
Genome position (GRCh38, 1-based): chr9:6,558,576, C>T on the plus strand (G>A on the coding strand, the complement: GLDC is on the minus strand). VCF-style: chr9-6558576-C-T. GRCh37 (hg19) VCF-style: chr9-6558576-C-T.
Other names: c.2035G>A (NM_000170.2); short protein forms V679I.
Identifiers: ClinVar variation 1383808 (VCV001383808.4), dbSNP rs778376889, ClinGen allele CA4980434.